The following is an entry in ClinVar:

ClinVar aggregate classification (germline): Uncertain significance. Review status: criteria provided, multiple submitters, no conflicts (2 of 4 stars). 6 submissions from 5 submitters: Uncertain significance (5). 1 of the submissions does not count toward it. Last evaluated 2024-04-01.

Conditions:
Inborn genetic diseases. Identifiers: MedGen C0950123, MeSH D030342.
Retinal dystrophy. Also called: Inherited retinal dystrophy. Identifiers: Orphanet 71862, MedGen C0854723, MeSH D058499, MONDO:0019118, HP:0000556.
Leber congenital amaurosis 3 (LCA3). Also called: SPATA7-Related Retinitis Pigmentosa. Identifiers: MedGen C1858677, MONDO:0011415, OMIM 604232.
Retinitis pigmentosa (RP). Identifiers: Orphanet 791, MedGen C0035334, MeSH D012174, MONDO:0019200, OMIM 268000. Inheritance: Autosomal dominant, autosomal recessive and X linked inheritance.

Allele frequency attached by ClinVar (database versions not stated): TOPMed 0.00003; gnomAD exomes 0.00006 and 0.00008; ESP Exome Variant Server 0.00008; ExAC 0.00010; gnomAD 0.00013 and 0.00014.

Submissions (6):

Blueprint Genetics
Classification: Uncertain significance. Last evaluated: 2024-04-01. Review status: criteria provided, single submitter. Criteria: ACMG Guidelines, 2015. Collection method: clinical testing. Allele origin: germline.

Ambry Genetics
Classification: Uncertain significance for Inborn genetic diseases. Last evaluated: 2021-07-13. Review status: criteria provided, single submitter. Criteria: Ambry Variant Classification Scheme 2023. Collection method: clinical testing. Allele origin: germline.

Labcorp Genetics (formerly Invitae), Labcorp
Classification: Uncertain significance for Leber congenital amaurosis 3. Last evaluated: 2019-10-11. Review status: criteria provided, single submitter. Criteria: Invitae Variant Classification Sherloc (09022015). Collection method: clinical testing. Allele origin: germline.
Comment: This sequence change replaces aspartic acid with glycine at codon 82 of the SPATA7 protein (p.Asp82Gly). The aspartic acid residue is highly conserved and there is a moderate physicochemical difference between aspartic acid and glycine. This variant is present in population databases (rs376502749, ExAC 0.02%). This variant has not been reported in the literature in individuals with SPATA7-related conditions. Algorithms developed to predict the effect of missense changes on protein structure and function are either unavailable or do not agree on the potential impact of this missense change (SIFT: "Deleterious"; PolyPhen-2: "Probably Damaging"; Align-GVGD: "Class C0"). In summary, the available evidence is currently insufficient to determine the role of this variant in disease. Therefore, it has been classified as a Variant of Uncertain Significance.

Illumina Laboratory Services, Illumina
Classification: Uncertain significance for Retinitis pigmentosa. Last evaluated: 2018-01-13. Review status: criteria provided, single submitter. Criteria: ICSL Variant Classification Criteria 13 December 2019. Collection method: clinical testing. Allele origin: germline.

Illumina Laboratory Services, Illumina
Classification: Uncertain significance for Leber congenital amaurosis 3. Last evaluated: 2018-01-13. Review status: criteria provided, single submitter. Criteria: ICSL Variant Classification Criteria 13 December 2019. Collection method: clinical testing. Allele origin: germline.

Institute of Human Genetics, Univ. Regensburg, Univ. Regensburg
Classification: Uncertain significance for Retinal dystrophy. Last evaluated: 2022-01-01. Review status: no assertion criteria provided. Criteria: ACMG Guidelines, 2015. Collection method: clinical testing. Allele origin: germline. Affected: yes. Not counted in ClinVar's aggregate classification.

NM_018418.5(SPATA7):c.245A>G (p.Asp82Gly)

Gene: SPATA7 (spermatogenesis associated 7; plus strand). Cytogenetic location: 14q31.3.
Variant type: single nucleotide variant.
Coding change: c.245A>G on transcript NM_018418.5 (MANE Select); coding-DNA position 245, A replaced by G.
Protein change: p.Asp82Gly; replaces aspartic acid 82 with glycine.
Molecular consequence: missense variant.
Genome position (GRCh38, 1-based): chr14:88,416,717, A>G. VCF-style: chr14-88416717-A-G. GRCh37 (hg19) VCF-style: chr14-88883061-A-G.
Other names: c.149A>G, p.Asp50Gly (NM_001040428.4); short protein forms D50G, D82G.
Identifiers: ClinVar variation 886634 (VCV000886634.16), dbSNP rs376502749, ClinGen allele CA7298475.